The following is an entry in ClinVar:

NM_004281.4(BAG3):c.1588G>A (p.Val530Met)

Gene: BAG3 (BAG cochaperone 3; plus strand). Cytogenetic location: 10q26.11.
Variant type: single nucleotide variant.
Coding change: c.1588G>A on transcript NM_004281.4 (MANE Select); coding-DNA position 1588, G replaced by A.
Protein change: p.Val530Met; replaces valine 530 with methionine.
Molecular consequence: missense variant.
Genome position (GRCh38, 1-based): chr10:119,677,142, G>A. VCF-style: chr10-119677142-G-A. GRCh37 (hg19) VCF-style: chr10-121436654-G-A.
Other names: short protein forms V530M.
Identifiers: ClinVar variation 162787 (VCV000162787.34), dbSNP rs144678100, ClinGen allele CA175316.
Genomic context (GRCh38, chr10:119,677,142, plus strand): 5'-CTCCAGCCCAGCAACCTTGAAGCAGATCAGCCACTGCAGGCAATCATGGAGATGGGTGCC[G>A]TGGCAGCAGACAAGGGCAAGAAAAATGCTGGAAATGCAGAAGATCCCCACACAGAAACCC-3'
Protein context (NP_004272.2, residues 520-540): PLQAIMEMGA[Val530Met]AADKGKKNAG

ClinVar aggregate classification (germline): Conflicting classifications of pathogenicity. Review status: criteria provided, conflicting classifications (1 of 4 stars). 13 submissions from 12 submitters: Uncertain significance (5); Benign (1); Likely benign (5). 2 of the submissions do not count toward it. Last evaluated 2025-12-26.

Conditions:
Cardiovascular phenotype. Identifiers: MedGen CN230736.
Dilated cardiomyopathy 1HH (CMD1HH). Identifiers: Orphanet 154, MedGen C3151293, MONDO:0013479, OMIM 613881.
Myofibrillar myopathy 6. Identifiers: Orphanet 199340, MedGen C2751831, MONDO:0013061, OMIM 612954.

Allele frequency attached by ClinVar (database versions not stated): TOPMed 0.00008; gnomAD exomes 0.00014 and 0.00031; ExAC 0.00015; gnomAD 0.00015 and 0.00016; ESP Exome Variant Server 0.00031.

Submissions (13):

Labcorp Genetics (formerly Invitae), Labcorp
Classification: Uncertain significance for Dilated cardiomyopathy 1HH; Myofibrillar myopathy 6. Last evaluated: 2025-12-26. Review status: criteria provided, single submitter. Criteria: Invitae Variant Classification Sherloc (09022015). Collection method: clinical testing. Allele origin: germline.
Comment: This sequence change replaces valine, which is neutral and non-polar, with methionine, which is neutral and non-polar, at codon 530 of the BAG3 protein (p.Val530Met). This variant is present in population databases (rs144678100, gnomAD 0.03%), and has an allele count higher than expected for a pathogenic variant. This variant has not been reported in the literature in individuals affected with BAG3-related conditions. ClinVar contains an entry for this variant (Variation ID: 162787). Invitae Evidence Modeling of protein sequence and biophysical properties (such as structural, functional, and spatial information, amino acid conservation, physicochemical variation, residue mobility, and thermodynamic stability) indicates that this missense variant is not expected to disrupt BAG3 protein function with a negative predictive value of 80%. In summary, the available evidence is currently insufficient to determine the role of this variant in disease. Therefore, it has been classified as a Variant of Uncertain Significance.

Blueprint Genetics
Classification: Likely benign. Last evaluated: 2024-11-08. Review status: criteria provided, single submitter. Criteria: ACMG Guidelines, 2015. Collection method: clinical testing. Allele origin: germline.

Mayo Clinic Laboratories, Mayo Clinic
Classification: Likely benign. Last evaluated: 2024-09-27. Review status: criteria provided, single submitter. Criteria: ACMG Guidelines, 2015. Collection method: clinical testing. Allele origin: germline. Observed: 2 variant alleles.
Comment: BP4, BP5

Women's Health and Genetics/Laboratory Corporation of America, LabCorp
Classification: Likely benign. Last evaluated: 2022-07-02. Review status: criteria provided, single submitter. Criteria: LabCorp Variant Classification Summary - May 2015. Collection method: clinical testing. Allele origin: germline.

Revvity Omics, Revvity
Classification: Uncertain significance. Last evaluated: 2020-07-07. Review status: criteria provided, single submitter. Criteria: ACMG Guidelines, 2015. Collection method: clinical testing. Allele origin: germline.

ARUP Laboratories, Molecular Genetics and Genomics, ARUP Laboratories
Classification: Uncertain significance. Last evaluated: 2020-02-16. Review status: criteria provided, single submitter. Criteria: ARUP Molecular Germline Variant Investigation Process. Collection method: clinical testing. Allele origin: germline.
Comment: The BAG3 c.1588G>A; p.Val530Met variant (rs144678100), to our knowledge, is not reported in the medical literature but is reported in ClinVar (Variation ID: 162787). This variant is listed in the Genome Aggregation Database (gnomAD) with a frequency of 0.03 percent in the European Non-Finnish population (identified on 41 out of 282,784 chromosomes). The threonine at position 530 is moderately conserved and computational analyses of the effects of the p.Val530Met variant on protein structure and function is neutral (SIFT: tolerated, PolyPhen-2: benign). Altogether, there is not enough evidence to classify the p.Val530Met variant with certainty.

GeneDx
Classification: Uncertain significance. Last evaluated: 2019-11-21. Review status: criteria provided, single submitter. Criteria: GeneDx Variant Classification Process June 2021. Collection method: clinical testing. Allele origin: germline. Affected: yes.
Comment: Has not been previously published as pathogenic or benign to our knowledge; In silico analysis, which includes protein predictors and evolutionary conservation, supports that this variant does not alter protein structure/function; Reported in ClinVar (ClinVar Variant ID# 162787; Landrum et al., 2016)

Ambry Genetics
Classification: Likely benign for Cardiovascular phenotype. Last evaluated: 2019-10-16. Review status: criteria provided, single submitter. Criteria: Ambry Variant Classification Scheme 2023. Collection method: clinical testing. Allele origin: germline.

Illumina Laboratory Services, Illumina
Classification: Benign for Myofibrillar myopathy 6. Last evaluated: 2018-01-13. Review status: criteria provided, single submitter. Criteria: ICSL Variant Classification Criteria 13 December 2019. Collection method: clinical testing. Allele origin: germline.
Comment: This variant was observed in the ICSL laboratory as part of a predisposition screen in an ostensibly healthy population. It had not been previously curated by ICSL or reported in the Human Gene Mutation Database (HGMD: prior to June 1st, 2018), and was therefore a candidate for classification through an automated scoring system. Utilizing variant allele frequency, disease prevalence and penetrance estimates, and inheritance mode, an automated score was calculated to assess if this variant is too frequent to cause the disease. Based on the score and internal cut-off values, a variant classified as benign is not then subjected to further curation. The score for this variant resulted in a classification of benign for this disease.

Illumina Laboratory Services, Illumina
Classification: Uncertain significance for Dilated cardiomyopathy 1HH. Last evaluated: 2018-01-13. Review status: criteria provided, single submitter. Criteria: ICSL Variant Classification Criteria 13 December 2019. Collection method: clinical testing. Allele origin: germline.

Laboratory for Molecular Medicine, Mass General Brigham Personalized Medicine
Classification: Likely benign. Last evaluated: 2013-04-03. Review status: criteria provided, single submitter. Criteria: LMM Criteria. Collection method: clinical testing. Allele origin: germline. Observed: 1 variant allele.
Comment: Val530Met in exon 4 of BAG3: This variant is not expected to have clinical signi ficance due to a lack of conservation across species, including mammals. Of note , multiple mammals, including primates, carry a methionine (Met) at this positio n despite high nearby amino acid conservation. In addition, computational analys es (AlignGVGD, PolyPhen2, SIFT) do not suggest a high likelihood of impact to th e protein. The Val530Met variant has also been identified in 4/8600 European Ame rican chromosomes by the NHLBI Exome Sequencing Project (n.edu/EVS/; dbSNP rs144678100).

Clinical Genetics DNA and cytogenetics Diagnostics Lab, Erasmus MC, Erasmus Medical Center
Classification: Likely benign. Review status: no assertion criteria provided. Collection method: clinical testing. Allele origin: germline. Affected: yes. Study: VKGL Data-share Consensus. Not counted in ClinVar's aggregate classification.

Genome Diagnostics Laboratory, University Medical Center Utrecht
Classification: Likely benign. Review status: no assertion criteria provided. Collection method: clinical testing. Allele origin: germline. Affected: yes. Study: VKGL Data-share Consensus. Not counted in ClinVar's aggregate classification.